The following is an entry in ClinVar:

NC_000009.12:g.35657681C>T

Gene: RMRP (RNA component of mitochondrial RNA processing endoribonuclease; minus strand). Cytogenetic location: 9p13.3.
Variant type: single nucleotide variant.
Genome position: GRCh38 VCF-style: chr9-35657681-C-T. GRCh37 (hg19) VCF-style: chr9-35657678-C-T.
Identifiers: ClinVar variation 2044503 (VCV002044503.1), dbSNP rs150183436, ClinGen allele CA192745505.
Genomic context (GRCh38, chr9:35,657,681, plus strand): 5'-AAAAATACAAAAATTAGCCAGGCATGATGGCGTGCGCCTGCGGTCCCAACTACTTGGGAG[C>T]CTGAGGTGAGGCATCGCGTGAGCCCGGGGAGGTCGAGGCTGCAGTGAGCCGTGGTCTCGG-3'

ClinVar aggregate classification (germline): Uncertain significance (1 of 4 stars; one submission).

Conditions:
Anauxetic dysplasia. Identifiers: Orphanet 93347, MedGen C1846796, MONDO:0011773.

Allele frequency attached by ClinVar (database versions not stated): TOPMed 0.00008; 1000 Genomes Project 30x 0.00125; 1000 Genomes Project 0.00160.

Submission:

Labcorp Genetics (formerly Invitae), Labcorp
Classification: Uncertain significance for Anauxetic dysplasia. Last evaluated: 2022-10-05. Review status: criteria provided, single submitter. Criteria: Invitae Variant Classification Sherloc (09022015). Collection method: clinical testing. Allele origin: germline.
Comment: This variant occurs in the RMRP gene, which encodes an RNA molecule that does not result in a protein product. This variant is present in population databases (rs150183436, gnomAD 0.01%). This variant has not been reported in the literature in individuals affected with RMRP-related conditions. Experimental studies and prediction algorithms are not available or were not evaluated, and the functional significance of this variant is currently unknown. In summary, the available evidence is currently insufficient to determine the role of this variant in disease. Therefore, it has been classified as a Variant of Uncertain Significance.